The following is an entry in ClinVar:

ClinVar aggregate classification (germline): Pathogenic (1 of 4 stars; one submission).

Conditions:
VPS13A-related neurodegenerative disease. Also called: ACANTHOCYTOSIS WITH NEUROLOGIC DISORDER; LEVINE-CRITCHLEY SYNDROME; Choreoacanthocytosis; Chorea-acanthocytosis; Choreaacanthocytosis; VPS13A Disease. Identifiers: Orphanet 2388, MedGen C0393576, MONDO:0008695, OMIM 200150.

Submission:

Myriad Genetics, Inc.
Classification: Pathogenic for VPS13A-related neurodegenerative disease. Last evaluated: 2023-08-22. Review status: criteria provided, single submitter. Criteria: Myriad Autosomal Dominant, Autosomal Recessive and X-Linked Classification Criteria (2023). Collection method: clinical testing. Allele origin: unknown.
Comment: NM_033305.2(VPS13A):c.4238_4239delAA(K1413Tfs*9) is expected to be pathogenic in the context of VPS13A disease. This variant is predicted to lead to an abnormal or absent protein product due to the creation of a premature termination codon in VPS13A, a gene where loss-of-function variants are known to be pathogenic. Please note: this variant was assessed in the context of healthy population screening.

NM_033305.3(VPS13A):c.4238_4239del (p.Lys1413fs)

Gene: VPS13A (vacuolar protein sorting 13 homolog A; plus strand). Cytogenetic location: 9q21.2.
Variant type: Deletion.
Coding change: c.4238_4239del on transcript NM_033305.3 (MANE Select); coding-DNA positions 4238 to 4239, 2 bases deleted (AA; older notation c.4238_4239delAA).
Protein change: p.Lys1413fs; shifts the reading frame from lysine 1413.
Molecular consequence: frameshift variant.
Genome position (GRCh38, 1-based): chr9:77,314,115-77,314,116, AA deleted; deleting any 2 consecutive bases within chr9:77,314,114-77,314,116 gives the same sequence; the c. name uses the placement nearest the transcript's 3' end. VCF-style (leftmost placement, unchanged base first): chr9-77314113-TAA-T. GRCh37 (hg19) VCF-style: chr9-79929029-TAA-T.
Other names: c.4121_4122del, p.Lys1374fs (NM_001018037.2); c.4238_4239del, p.Lys1413fs (NM_001018038.3, NM_015186.4); short protein forms K1374fs, K1413fs.
Identifiers: ClinVar variation 5011455 (VCV005011455.1).